The following is an entry in ClinVar:

NM_005591.4(MRE11):c.824C>T (p.Ser275Phe)

Gene: MRE11 (MRE11 double strand break repair nuclease; minus strand). Cytogenetic location: 11q21.
Variant type: single nucleotide variant.
Coding change: c.824C>T on transcript NM_005591.4 (MANE Select); coding-DNA position 824, C replaced by T.
Protein change: p.Ser275Phe; replaces serine 275 with phenylalanine.
Molecular consequence: missense variant.
Genome position (GRCh38, 1-based): chr11:94,471,595, G>A on the plus strand (C>T on the coding strand, the complement: MRE11 is on the minus strand). VCF-style: chr11-94471595-G-A. GRCh37 (hg19) VCF-style: chr11-94204761-G-A.
Other names: c.824C>T, p.Ser275Phe (NM_001330347.2, NM_005590.4); short protein forms S275F.
Identifiers: ClinVar variation 827532 (VCV000827532.6), dbSNP rs1591694835, ClinGen allele CA382375499.

ClinVar aggregate classification (germline): Uncertain significance (1 of 4 stars; one submission).

Conditions:
Hereditary cancer-predisposing syndrome. Also called: Neoplastic Syndromes, Hereditary; Tumor predisposition; Hereditary neoplastic syndrome; Hereditary Cancer Syndrome. Identifiers: Orphanet 140162, MedGen C0027672, MeSH D009386, MONDO:0015356.

Allele frequency attached by ClinVar (database versions not stated): gnomAD exomes below 0.00001.
gnomAD v4.1: 5 of 1,612,496 alleles (0.00031%); highest among the groups gnomAD compares: Non-Finnish European, 0.00034%; no homozygotes.

Submission:

Ambry Genetics
Classification: Uncertain significance for Hereditary cancer-predisposing syndrome. Last evaluated: 2025-11-29. Review status: criteria provided, single submitter. Criteria: Ambry Variant Classification Scheme 2023. Collection method: clinical testing. Allele origin: germline.
Comment: The p.S275F variant (also known as c.824C>T), located in coding exon 7 of the MRE11A gene, results from a C to T substitution at nucleotide position 824. The serine at codon 275 is replaced by phenylalanine, an amino acid with highly dissimilar properties. This amino acid position is highly conserved in available vertebrate species. In addition, this alteration is predicted to be deleterious by in silico analysis. Since supporting evidence is limited at this time, the clinical significance of this alteration remains unclear.